The following is an entry in ClinVar:

ClinVar aggregate classification (germline): Uncertain significance (1 of 4 stars; one submission).

Allele frequency attached by ClinVar (database versions not stated): ExAC 0.00003; gnomAD exomes 0.00001.
gnomAD v4.1: 2 of 1,613,906 alleles (0.00012%); highest among the groups gnomAD compares: Non-Finnish European, 0.00017%; no homozygotes.

Submission:

Labcorp Genetics (formerly Invitae), Labcorp
Classification: Uncertain significance. Last evaluated: 2021-09-01. Review status: criteria provided, single submitter. Criteria: Invitae Variant Classification Sherloc (09022015). Collection method: clinical testing. Allele origin: germline.
Comment: This sequence change replaces proline with histidine at codon 668 of the CDH23 protein (p.Pro668His). The proline residue is highly conserved and there is a moderate physicochemical difference between proline and histidine. This variant is present in population databases (rs770217672, ExAC 0.005%). This variant has not been reported in the literature in individuals affected with CDH23-related conditions. Algorithms developed to predict the effect of missense changes on protein structure and function are either unavailable or do not agree on the potential impact of this missense change (SIFT: "Deleterious"; PolyPhen-2: "Not Available"; Align-GVGD: "Class C65"). In summary, the available evidence is currently insufficient to determine the role of this variant in disease. Therefore, it has been classified as a Variant of Uncertain Significance.

NM_022124.6(CDH23):c.2003C>A (p.Pro668His)

Gene: CDH23 (cadherin related 23; plus strand). Cytogenetic location: 10q22.1.
Variant type: single nucleotide variant.
Coding change: c.2003C>A on transcript NM_022124.6 (MANE Select); coding-DNA position 2003, C replaced by A.
Protein change: p.Pro668His; replaces proline 668 with histidine.
Molecular consequence: missense variant.
Genome position (GRCh38, 1-based): chr10:71,687,663, C>A. VCF-style: chr10-71687663-C-A. GRCh37 (hg19) VCF-style: chr10-73447420-C-A.
Other names: c.2003C>A, p.Pro668His (NM_001171930.2, NM_001171931.2); short protein forms P668H.
Identifiers: ClinVar variation 1038051 (VCV001038051.6), dbSNP rs770217672, ClinGen allele CA5544047.